The following is an entry in ClinVar:

NM_000368.5(TSC1):c.3390G>C (p.Lys1130Asn)

Gene: TSC1 (TSC complex subunit 1; minus strand). Cytogenetic location: 9q34.13.
Variant type: single nucleotide variant.
Coding change: c.3390G>C on transcript NM_000368.5 (MANE Select); coding-DNA position 3390, G replaced by C.
Protein change: p.Lys1130Asn; replaces lysine 1130 with asparagine.
Molecular consequence: missense variant.
Genome position (GRCh38, 1-based): chr9:132,896,340, C>G on the plus strand (G>C on the coding strand, the complement: TSC1 is on the minus strand). VCF-style: chr9-132896340-C-G. GRCh37 (hg19) VCF-style: chr9-135771727-C-G.
Other names: c.3387G>C, p.Lys1129Asn (NM_001162426.2); c.3237G>C, p.Lys1079Asn (NM_001162427.2); c.3027G>C, p.Lys1009Asn (NM_001362177.2); short protein forms K1079N, K1009N, K1130N, K1129N.
Identifiers: ClinVar variation 864145 (VCV000864145.12), dbSNP rs1845035929, ClinGen allele CA375366470.

ClinVar aggregate classification (germline): Uncertain significance. Review status: criteria provided, multiple submitters, no conflicts (2 of 4 stars). 2 submissions from 2 submitters: Uncertain significance (2). Last evaluated 2025-06-10.

Conditions:
Hereditary cancer-predisposing syndrome. Also called: Tumor predisposition; Hereditary Cancer Syndrome; Neoplastic Syndromes, Hereditary; Hereditary neoplastic syndrome. Identifiers: Orphanet 140162, MedGen C0027672, MeSH D009386, MONDO:0015356.
Tuberous sclerosis 1 (TSC1). Identifiers: Orphanet 805, MedGen C1854465, MONDO:0008612, OMIM 191100.

Allele frequency attached by ClinVar (database versions not stated): TOPMed below 0.00001; gnomAD 0.00001.
gnomAD v4.1: 1 of 1,614,106 alleles (0.000062%); highest among the groups gnomAD compares: African/African-American, 0.0013%; no homozygotes.

Submissions (2):

Labcorp Genetics (formerly Invitae), Labcorp
Classification: Uncertain significance for Tuberous sclerosis 1. Last evaluated: 2025-06-10. Review status: criteria provided, single submitter. Criteria: Invitae Variant Classification Sherloc (09022015). Collection method: clinical testing. Allele origin: germline.
Comment: This sequence change replaces lysine, which is basic and polar, with asparagine, which is neutral and polar, at codon 1130 of the TSC1 protein (p.Lys1130Asn). This variant is not present in population databases (gnomAD no frequency). This variant has not been reported in the literature in individuals affected with TSC1-related conditions. ClinVar contains an entry for this variant (Variation ID: 864145). Invitae Evidence Modeling of protein sequence and biophysical properties (such as structural, functional, and spatial information, amino acid conservation, physicochemical variation, residue mobility, and thermodynamic stability) indicates that this missense variant is not expected to disrupt TSC1 protein function with a negative predictive value of 95%. In summary, the available evidence is currently insufficient to determine the role of this variant in disease. Therefore, it has been classified as a Variant of Uncertain Significance.

Ambry Genetics
Classification: Uncertain significance for Hereditary cancer-predisposing syndrome. Last evaluated: 2021-02-16. Review status: criteria provided, single submitter. Criteria: Ambry Variant Classification Scheme 2023. Collection method: clinical testing. Allele origin: germline.
Comment: The p.K1130N variant (also known as c.3390G>C), located in coding exon 21 of the TSC1 gene, results from a G to C substitution at nucleotide position 3390. The lysine at codon 1130 is replaced by asparagine, an amino acid with similar properties. This amino acid position is not well conserved in available vertebrate species. In addition, this alteration is predicted to be tolerated by in silico analysis. Since supporting evidence is limited at this time, the clinical significance of this alteration remains unclear.